The following is an entry in ClinVar:

ClinVar aggregate classification (germline): Uncertain significance. Review status: criteria provided, single submitter (1 of 4 stars). 2 submissions from 2 submitters: Uncertain significance (1). 1 of the submissions does not count toward it. Last evaluated 2023-11-10.

Conditions:
WRN-related disorder. Also called: WRN-related condition.
Werner syndrome (WRN). Identifiers: Orphanet 902, MedGen C0043119, MONDO:0010196, OMIM 277700.

Allele frequency attached by ClinVar (database versions not stated): gnomAD exomes below 0.00001; ExAC 0.00001; gnomAD 0.00002 and 0.00003; TOPMed 0.00003.
gnomAD v4.1: 4 of 1,613,936 alleles (0.00025%); highest among the groups gnomAD compares: African/African-American, 0.0053%; no homozygotes.

Submissions (2):

Labcorp Genetics (formerly Invitae), Labcorp
Classification: Uncertain significance for Werner syndrome. Last evaluated: 2023-11-10. Review status: criteria provided, single submitter. Criteria: Invitae Variant Classification Sherloc (09022015). Collection method: clinical testing. Allele origin: germline.
Comment: This sequence change replaces isoleucine, which is neutral and non-polar, with serine, which is neutral and polar, at codon 333 of the WRN protein (p.Ile333Ser). This variant is present in population databases (rs530437272, gnomAD 0.008%). This variant has not been reported in the literature in individuals affected with WRN-related conditions. ClinVar contains an entry for this variant (Variation ID: 404002). An algorithm developed to predict the effect of missense changes on protein structure and function (PolyPhen-2) suggests that this variant is likely to be tolerated. In summary, the available evidence is currently insufficient to determine the role of this variant in disease. Therefore, it has been classified as a Variant of Uncertain Significance.

PreventionGenetics, part of Exact Sciences
Classification: Uncertain significance for WRN-related condition. Last evaluated: 2024-04-03. Review status: no assertion criteria provided. Collection method: clinical testing. Allele origin: germline. Not counted in ClinVar's aggregate classification.
Comment: The WRN c.998T>G variant is predicted to result in the amino acid substitution p.Ile333Ser. To our knowledge, this variant has not been reported in the literature. This variant is reported in 0.0080% of alleles in individuals of African descent in gnomAD, and is classified as a variant of uncertain significance in ClinVar. At this time, the clinical significance of this variant is uncertain due to the absence of conclusive functional and genetic evidence.

NM_000553.6(WRN):c.998T>G (p.Ile333Ser)

Gene: WRN (WRN RecQ like helicase; plus strand). Cytogenetic location: 8p12.
Variant type: single nucleotide variant.
Coding change: c.998T>G on transcript NM_000553.6 (MANE Select); coding-DNA position 998, T replaced by G.
Protein change: p.Ile333Ser; replaces isoleucine 333 with serine.
Molecular consequence: missense variant.
Genome position (GRCh38, 1-based): chr8:31,081,025, T>G. VCF-style: chr8-31081025-T-G. GRCh37 (hg19) VCF-style: chr8-30938541-T-G.
Other names: short protein forms I333S.
Identifiers: ClinVar variation 404002 (VCV000404002.9), dbSNP rs530437272, ClinGen allele CA4704233.